The following is an entry in ClinVar:

NM_004360.5(CDH1):c.572G>A (p.Ser191Asn)

Gene: CDH1 (cadherin 1; plus strand). Cytogenetic location: 16q22.1.
Variant type: single nucleotide variant.
Coding change: c.572G>A on transcript NM_004360.5 (MANE Select); coding-DNA position 572, G replaced by A.
Protein change: p.Ser191Asn; replaces serine 191 with asparagine.
Molecular consequence: missense variant. On other transcripts: 5 prime UTR variant (2).
Genome position (GRCh38, 1-based): chr16:68,808,733, G>A. VCF-style: chr16-68808733-G-A. GRCh37 (hg19) VCF-style: chr16-68842636-G-A.
Other names: c.572G>A, p.Ser191Asn (NM_001317184.2); c.-1044G>A (NM_001317185.2); c.-1248G>A (NM_001317186.2); short protein forms S191N.
Identifiers: ClinVar variation 1385318 (VCV001385318.8), dbSNP rs2152130119, ClinGen allele CA396457930.
Genomic context (GRCh38, chr16:68,808,733, plus strand): 5'-TTCTTTCATTTTGTCTTCAGATCAAATCCAACAAAGACAAAGAAGGCAAGGTTTTCTACA[G>A]CATCACTGGCCAAGGAGCTGACACACCCCCTGTTGGTGTCTTTATTATTGAAAGAGAAAC-3'
Protein context (NP_004351.1, residues 181-201): NKDKEGKVFY[Ser191Asn]ITGQGADTPP

ClinVar aggregate classification (germline): Uncertain significance (1 of 4 stars; one submission).

Conditions:
Hereditary diffuse gastric adenocarcinoma (HDGC). Also called: DIFFUSE GASTRIC AND LOBULAR BREAST CANCER SYNDROME. Identifiers: Orphanet 26106, MedGen C1708349, MONDO:0007648, OMIM 137215.

gnomAD v4.1: 1 of 1,614,136 alleles (0.000062%); highest among the groups gnomAD compares: Non-Finnish European, 0.000085%; no homozygotes.

Submission:

Labcorp Genetics (formerly Invitae), Labcorp
Classification: Uncertain significance for Hereditary diffuse gastric adenocarcinoma. Last evaluated: 2020-12-20. Review status: criteria provided, single submitter. Criteria: Invitae Variant Classification Sherloc (09022015). Collection method: clinical testing. Allele origin: germline.
Comment: In summary, the available evidence is currently insufficient to determine the role of this variant in disease. Therefore, it has been classified as a Variant of Uncertain Significance. Algorithms developed to predict the effect of missense changes on protein structure and function are either unavailable or do not agree on the potential impact of this missense change (SIFT: "Deleterious"; PolyPhen-2: "Probably Damaging"; Align-GVGD: "Class C0"). This variant has not been reported in the literature in individuals with CDH1-related conditions. This variant is not present in population databases (ExAC no frequency). This sequence change replaces serine with asparagine at codon 191 of the CDH1 protein (p.Ser191Asn). The serine residue is highly conserved and there is a small physicochemical difference between serine and asparagine.